The following is an entry in ClinVar:

ClinVar aggregate classification (germline): Likely benign (1 of 4 stars; one submission).

Submission:

CeGaT Center for Human Genetics Tuebingen
Classification: Likely benign. Last evaluated: 2023-01-01. Review status: criteria provided, single submitter. Criteria: CeGaT Center For Human Genetics Tuebingen Variant Classification Criteria Version 2. Collection method: clinical testing. Allele origin: germline. Affected: yes. Observed: 1 variant allele.
Comment: FBN3: BP4, BP7

NM_032447.5(FBN3):c.6930G>A (p.Arg2310=)

Gene: FBN3 (fibrillin 3; minus strand). Cytogenetic location: 19p13.2.
Variant type: single nucleotide variant.
Coding change: c.6930G>A on transcript NM_032447.5 (MANE Select); coding-DNA position 6930, G replaced by A.
Protein change: p.Arg2310=; no amino-acid change (arginine 2310 retained).
Molecular consequence: synonymous variant.
Genome position (GRCh38, 1-based): chr19:8,085,520, C>T on the plus strand (G>A on the coding strand, the complement: FBN3 is on the minus strand). VCF-style: chr19-8085520-C-T. GRCh37 (hg19) VCF-style: chr19-8150404-C-T.
Other names: c.6930G>A, p.Arg2310= (NM_001321431.2).
Identifiers: ClinVar variation 2649187 (VCV002649187.24), dbSNP rs1484334799, ClinGen allele CA505256719.